The following is an entry in ClinVar:

ClinVar aggregate classification (germline): Likely benign (0 of 4 stars; one submission).

Conditions:
PLXNA3-related disorder. Also called: PLXNA3-related condition.

Submission:

PreventionGenetics, part of Exact Sciences
Classification: Likely benign for PLXNA3-related condition. Last evaluated: 2022-11-03. Review status: no assertion criteria provided. Collection method: clinical testing. Allele origin: germline.
Comment: This variant is classified as likely benign based on ACMG/AMP sequence variant interpretation guidelines (Richards et al. 2015 PMID: 25741868, with internal and published modifications).

NM_017514.5(PLXNA3):c.780C>G (p.Ser260=)

Gene: PLXNA3 (plexin A3; plus strand). Cytogenetic location: Xq28.
Variant type: single nucleotide variant.
Coding change: c.780C>G on transcript NM_017514.5 (MANE Select); coding-DNA position 780, C replaced by G.
Protein change: p.Ser260=; no amino-acid change (serine 260 retained).
Molecular consequence: synonymous variant.
Genome position (GRCh38, 1-based): chrX:154,461,284, C>G. VCF-style: chrX-154461284-C-G. GRCh37 (hg19) VCF-style: chrX-153689624-C-G.
Identifiers: ClinVar variation 3354409 (VCV003354409.1).